The following is an entry in ClinVar:

NM_170707.4(LMNA):c.811-3C>A

Gene: LMNA (lamin A/C; plus strand). Cytogenetic location: 1q22.
Variant type: single nucleotide variant.
Coding change: c.811-3C>A on transcript NM_170707.4 (MANE Select); 3 bases into the intron before coding-DNA position 811, C replaced by A.
Molecular consequence: intron variant.
Genome position (GRCh38, 1-based): chr1:156,135,184, C>A. VCF-style: chr1-156135184-C-A. GRCh37 (hg19) VCF-style: chr1-156104975-C-A.
Other names: c.811-3C>A (NM_001406983.1, NM_001282625.2, NM_001406984.1 and 6 more transcripts); c.253-3C>A (NM_001407002.1, NM_001406993.1, NM_001407003.1 and 4 more transcripts); c.147-3C>A (NM_001406999.1, NM_001407000.1, NM_001406994.1 and 1 more transcripts); c.568-3C>A (NM_001406986.1, NM_001406987.1, NM_001282624.2); c.475-3C>A (NM_001406989.1, NM_001257374.3, NM_001406998.1); c.514-3C>A (NM_001406988.1).
Identifiers: ClinVar variation 3894370 (VCV003894370.1).
Genomic context (GRCh38, chr1:156,135,184, plus strand): 5'-CTCAGGCCTGTGCCTCCACCCCTCCCAGTCACCACAGTCCTAACCCTTTGTCCTCCCCTC[C>A]AGCTGGACAATGCCAGGCAGTCTGCTGAGAGGAACAGCAACCTGGTGGGGGCTGCCCACG-3'

ClinVar aggregate classification (germline): Uncertain significance (1 of 4 stars; one submission).

Conditions:
Cardiomyopathy (CMYO). Also called: Cardiomyopathies. Identifiers: Orphanet 167848, MedGen C0878544, MONDO:0004994, HP:0001638. Inheritance: Various modes of inheritance.

gnomAD v4.1: 1 of 1,614,074 alleles (0.000062%); highest among the groups gnomAD compares: Admixed American, 0.0017%; no homozygotes.

Submission:

Color Diagnostics, LLC DBA Color Health
Classification: Uncertain significance for Cardiomyopathy. Last evaluated: 2025-01-06. Review status: criteria provided, single submitter. Criteria: ACMG Guidelines, 2015. Collection method: clinical testing. Allele origin: germline.
Comment: This variant causes a C to A nucleotide substitution at the -3 position of intron 4 of the LMNA gene. To our knowledge, functional studies have not been reported for this variant. This variant has not been reported in individuals affected with LMNA-related disorders in the literature. This variant has not been identified in the general population by the Genome Aggregation Database (gnomAD). The available evidence is insufficient to determine the role of this variant in disease conclusively. Therefore, this variant is classified as a Variant of Uncertain Significance.